The following is an entry in ClinVar:

ClinVar aggregate classification (germline): Uncertain significance. Review status: criteria provided, multiple submitters, no conflicts (2 of 4 stars). 2 submissions from 2 submitters: Uncertain significance (2). Last evaluated 2025-10-29.

Conditions:
Inborn genetic diseases. Identifiers: MedGen C0950123, MeSH D030342.

Allele frequency attached by ClinVar (database versions not stated): TOPMed 0.00009; gnomAD 0.00007; ESP Exome Variant Server 0.00015; gnomAD exomes 0.00001; ExAC 0.00002.
gnomAD v4.1: 21 of 1,613,762 alleles (0.0013%); highest among the groups gnomAD compares: African/African-American, 0.027%; no homozygotes.

Submissions (2):

Labcorp Genetics (formerly Invitae), Labcorp
Classification: Uncertain significance. Last evaluated: 2025-10-29. Review status: criteria provided, single submitter. Criteria: Invitae Variant Classification Sherloc (09022015). Collection method: clinical testing. Allele origin: germline.
Comment: This sequence change replaces proline, which is neutral and non-polar, with alanine, which is neutral and non-polar, at codon 2391 of the DCHS1 protein (p.Pro2391Ala). This variant is present in population databases (rs138322204, gnomAD 0.03%). This variant has not been reported in the literature in individuals affected with DCHS1-related conditions. ClinVar contains an entry for this variant (Variation ID: 3023235). Invitae Evidence Modeling of protein sequence and biophysical properties (such as structural, functional, and spatial information, amino acid conservation, physicochemical variation, residue mobility, and thermodynamic stability) indicates that this missense variant is not expected to disrupt DCHS1 protein function with a negative predictive value of 80%. In summary, the available evidence is currently insufficient to determine the role of this variant in disease. Therefore, it has been classified as a Variant of Uncertain Significance.

Ambry Genetics
Classification: Uncertain significance for Inborn genetic diseases. Last evaluated: 2025-08-14. Review status: criteria provided, single submitter. Criteria: Ambry Variant Classification Scheme 2023. Collection method: clinical testing. Allele origin: germline.

NM_003737.4(DCHS1):c.7171C>G (p.Pro2391Ala)

Gene: DCHS1 (dachsous cadherin-related 1; minus strand). Cytogenetic location: 11p15.4.
Variant type: single nucleotide variant.
Coding change: c.7171C>G on transcript NM_003737.4 (MANE Select); coding-DNA position 7171, C replaced by G.
Protein change: p.Pro2391Ala; replaces proline 2391 with alanine.
Molecular consequence: missense variant.
Genome position (GRCh38, 1-based): chr11:6,624,844, G>C on the plus strand (C>G on the coding strand, the complement: DCHS1 is on the minus strand). VCF-style: chr11-6624844-G-C. GRCh37 (hg19) VCF-style: chr11-6646075-G-C.
Other names: c.7171C>G (NM_003737.2); short protein forms P2391A.
Identifiers: ClinVar variation 3023235 (VCV003023235.4), dbSNP rs138322204, ClinGen allele CA5859663.